The following is an entry in ClinVar:

ClinVar aggregate classification (germline): Uncertain significance (1 of 4 stars; one submission).

Conditions:
Idiopathic generalized epilepsy. Also called: Generalised epilepsy; EIG. Identifiers: MedGen C0270850, MONDO:0005579, OMIM 600669.
Hyperaldosteronism, familial, type IV (HALD4). Also called: FH IV; ALDOSTERONISM, PRIMARY, AND HYPERTENSION. Identifiers: Orphanet 642671, MedGen C4310756, MONDO:0014875, OMIM 617027.

Allele frequency attached by ClinVar (database versions not stated): TOPMed below 0.00001; gnomAD exomes 0.00001; ExAC 0.00002.
gnomAD v4.1: 4 of 1,612,868 alleles (0.00025%); highest among the groups gnomAD compares: Admixed American, 0.005%; no homozygotes.

Submission:

Labcorp Genetics (formerly Invitae), Labcorp
Classification: Uncertain significance for Idiopathic generalized epilepsy; Hyperaldosteronism, familial, type IV. Last evaluated: 2023-02-04. Review status: criteria provided, single submitter. Criteria: Invitae Variant Classification Sherloc (09022015). Collection method: clinical testing. Allele origin: germline.
Comment: This sequence change replaces valine, which is neutral and non-polar, with glutamic acid, which is acidic and polar, at codon 1659 of the CACNA1H protein (p.Val1659Glu). This variant is present in population databases (rs751816236, gnomAD 0.009%). This variant has not been reported in the literature in individuals affected with CACNA1H-related conditions. ClinVar contains an entry for this variant (Variation ID: 855669). Advanced modeling of protein sequence and biophysical properties (such as structural, functional, and spatial information, amino acid conservation, physicochemical variation, residue mobility, and thermodynamic stability) performed at Invitae indicates that this missense variant is not expected to disrupt CACNA1H protein function. In summary, the available evidence is currently insufficient to determine the role of this variant in disease. Therefore, it has been classified as a Variant of Uncertain Significance.

NM_021098.3(CACNA1H):c.4976T>A (p.Val1659Glu)

Gene: CACNA1H (calcium voltage-gated channel subunit alpha1 H; plus strand). Cytogenetic location: 16p13.3.
Variant type: single nucleotide variant.
Coding change: c.4976T>A on transcript NM_021098.3 (MANE Select); coding-DNA position 4976, T replaced by A.
Protein change: p.Val1659Glu; replaces valine 1659 with glutamic acid.
Molecular consequence: missense variant.
Genome position (GRCh38, 1-based): chr16:1,215,018, T>A. VCF-style: chr16-1215018-T-A. GRCh37 (hg19) VCF-style: chr16-1265018-T-A.
Other names: c.4958T>A, p.Val1653Glu (NM_001005407.2); short protein forms V1653E, V1659E.
Identifiers: ClinVar variation 855669 (VCV000855669.8), dbSNP rs751816236, ClinGen allele CA7801723.